The following is an entry in ClinVar:

ClinVar aggregate classification (germline): Uncertain significance (1 of 4 stars; one submission).

Conditions:
Glycogen storage disease, type VI (GSD6). Also called: HERS DISEASE; PHOSPHORYLASE DEFICIENCY GLYCOGEN-STORAGE DISEASE OF LIVER; Glycogen storage disease type 6; Hepatic glycogen phosphorylase deficiency; Glycogen storage disease type 6, due to phosphorylation; GSD VI. Identifiers: Orphanet 369, MedGen C0017925, MONDO:0009294, OMIM 232700.

Allele frequency attached by ClinVar (database versions not stated): gnomAD exomes below 0.00001.
gnomAD v4.1: 1 of 1,613,346 alleles (0.000062%); highest among the groups gnomAD compares: South Asian, 0.0011%; no homozygotes.

Submission:

Labcorp Genetics (formerly Invitae), Labcorp
Classification: Uncertain significance for Glycogen storage disease, type VI. Last evaluated: 2022-02-24. Review status: criteria provided, single submitter. Criteria: Invitae Variant Classification Sherloc (09022015). Collection method: clinical testing. Allele origin: germline.
Comment: Algorithms developed to predict the effect of missense changes on protein structure and function (SIFT, PolyPhen-2, Align-GVGD) all suggest that this variant is likely to be disruptive. Algorithms developed to predict the effect of sequence changes on RNA splicing suggest that this variant may disrupt the consensus splice site. In summary, the available evidence is currently insufficient to determine the role of this variant in disease. Therefore, it has been classified as a Variant of Uncertain Significance. This sequence change replaces valine, which is neutral and non-polar, with leucine, which is neutral and non-polar, at codon 334 of the PYGL protein (p.Val334Leu). This variant is not present in population databases (gnomAD no frequency). This missense change has been observed in individual(s) with glycogen storage disease type VI (Invitae).

NM_002863.5(PYGL):c.1000G>C (p.Val334Leu)

Gene: PYGL (glycogen phosphorylase L; minus strand). Cytogenetic location: 14q22.1.
Variant type: single nucleotide variant.
Coding change: c.1000G>C on transcript NM_002863.5 (MANE Select); coding-DNA position 1000, G replaced by C.
Protein change: p.Val334Leu; replaces valine 334 with leucine.
Molecular consequence: missense variant.
Genome position (GRCh38, 1-based): chr14:50,916,734, C>G on the plus strand (G>C on the coding strand, the complement: PYGL is on the minus strand). VCF-style: chr14-50916734-C-G. GRCh37 (hg19) VCF-style: chr14-51383452-C-G.
Other names: c.898G>C, p.Val300Leu (NM_001163940.2); short protein forms V334L, V300L.
Identifiers: ClinVar variation 1348495 (VCV001348495.8), dbSNP rs2142798340, ClinGen allele CA389689445.